The following is an entry in ClinVar:

ClinVar aggregate classification (germline): Uncertain significance (1 of 4 stars; one submission).

Submission:

Labcorp Genetics (formerly Invitae), Labcorp
Classification: Uncertain significance. Last evaluated: 2023-11-10. Review status: criteria provided, single submitter. Criteria: Invitae Variant Classification Sherloc (09022015). Collection method: clinical testing. Allele origin: germline.
Comment: This sequence change replaces proline, which is neutral and non-polar, with serine, which is neutral and polar, at codon 489 of the POLE protein (p.Pro489Ser). This variant is not present in population databases (gnomAD no frequency). This variant has not been reported in the literature in individuals affected with POLE-related conditions. ClinVar contains an entry for this variant (Variation ID: 1471111). Advanced modeling of protein sequence and biophysical properties (such as structural, functional, and spatial information, amino acid conservation, physicochemical variation, residue mobility, and thermodynamic stability) performed at Invitae indicates that this missense variant is not expected to disrupt POLE protein function with a negative predictive value of 80%. In summary, the available evidence is currently insufficient to determine the role of this variant in disease. Therefore, it has been classified as a Variant of Uncertain Significance.

NM_006231.4(POLE):c.1465C>T (p.Pro489Ser)

Gene: POLE (DNA polymerase epsilon, catalytic subunit; minus strand). Cytogenetic location: 12q24.33.
Variant type: single nucleotide variant.
Coding change: c.1465C>T on transcript NM_006231.4 (MANE Select); coding-DNA position 1465, C replaced by T.
Protein change: p.Pro489Ser; replaces proline 489 with serine.
Molecular consequence: missense variant.
Genome position (GRCh38, 1-based): chr12:132,673,172, G>A on the plus strand (C>T on the coding strand, the complement: POLE is on the minus strand). VCF-style: chr12-132673172-G-A. GRCh37 (hg19) VCF-style: chr12-133249758-G-A.
Other names: short protein forms P489S.
Identifiers: ClinVar variation 1471111 (VCV001471111.8), dbSNP rs2135995738, ClinGen allele CA387358074.